The following is an entry in ClinVar:

ClinVar aggregate classification (germline): Uncertain significance (1 of 4 stars; one submission).

Submission:

GeneDx
Classification: Uncertain significance. Last evaluated: 2023-03-06. Review status: criteria provided, single submitter. Criteria: GeneDx Variant Classification Process June 2021. Collection method: clinical testing. Allele origin: germline. Affected: yes.
Comment: Not observed at significant frequency in large population cohorts (gnomAD); In silico analysis supports that this missense variant has a deleterious effect on protein structure/function; Has not been previously published as pathogenic or benign to our knowledge; This variant is associated with the following publications: (PMID: 24844136)

NM_000435.3(NOTCH3):c.2460T>G (p.Cys820Trp)

Gene: NOTCH3 (notch receptor 3; minus strand). Cytogenetic location: 19p13.12.
Variant type: single nucleotide variant.
Coding change: c.2460T>G on transcript NM_000435.3 (MANE Select); coding-DNA position 2460, T replaced by G.
Protein change: p.Cys820Trp; replaces cysteine 820 with tryptophan.
Molecular consequence: missense variant.
Genome position (GRCh38, 1-based): chr19:15,184,401, A>C on the plus strand (T>G on the coding strand, the complement: NOTCH3 is on the minus strand). VCF-style: chr19-15184401-A-C. GRCh37 (hg19) VCF-style: chr19-15295212-A-C.
Other names: short protein forms C820W.
Identifiers: ClinVar variation 2579365 (VCV002579365.1), dbSNP rs2512651767, ClinGen allele CA404519777.
Genomic context (GRCh38, chr19:15,184,401, plus strand): 5'-CCCTCCATGGCAGGTGCAGCTGAAACTCCCTGCCAGGTTGGTGCAGATACCATGAGGGCC[A>C]CAGGGTGCGGGGCCAGCACACTCGTCCACATCCTGCTGGCATCGTGGGCCTGGGGGTAGG-3'
Protein context (NP_000426.2, residues 810-830): DVDECAGPAP[Cys820Trp]GPHGICTNLA